The following is an entry in ClinVar:

ClinVar aggregate classification (germline): Uncertain significance (1 of 4 stars; one submission).

Conditions:
Ataxia-telangiectasia syndrome (AT). Also called: ATAXIA-TELANGIECTASIA, COMPLEMENTATION GROUP A; ATAXIA-TELANGIECTASIA, FRESNO VARIANT; Ataxia-telangiectasia; Ataxia-telangiectasia, complementation group D; AT, COMPLEMENTATION GROUP C; Ataxia-telangiectasia, complementation group E. Identifiers: Orphanet 100, MedGen C0004135, MONDO:0008840, OMIM 208900.

Submission:

Labcorp Genetics (formerly Invitae), Labcorp
Classification: Uncertain significance for Ataxia-telangiectasia syndrome. Last evaluated: 2020-05-13. Review status: criteria provided, single submitter. Criteria: Invitae Variant Classification Sherloc (09022015). Collection method: clinical testing. Allele origin: germline.
Comment: Algorithms developed to predict the effect of missense changes on protein structure and function (SIFT, PolyPhen-2, Align-GVGD) all suggest that this variant is likely to be tolerated, but these predictions have not been confirmed by published functional studies and their clinical significance is uncertain. This variant has not been reported in the literature in individuals with ATM-related conditions. This variant is not present in population databases (ExAC no frequency). In summary, the available evidence is currently insufficient to determine the role of this variant in disease. Therefore, it has been classified as a Variant of Uncertain Significance. This sequence change replaces isoleucine with leucine at codon 1999 of the ATM protein (p.Ile1999Leu). The isoleucine residue is moderately conserved and there is a small physicochemical difference between isoleucine and leucine.

NM_000051.4(ATM):c.5995A>C (p.Ile1999Leu)

Genes: ATM (ATM serine/threonine kinase; plus strand), C11orf65 (chromosome 11 open reading frame 65; minus strand). Cytogenetic location: 11q22.3.
Variant type: single nucleotide variant.
Coding change: c.5995A>C on transcript NM_000051.4 (MANE Select); coding-DNA position 5995, A replaced by C.
Protein change: p.Ile1999Leu; replaces isoleucine 1999 with leucine.
Molecular consequence: missense variant. On other transcripts: intron variant (2).
Genome position (GRCh38, 1-based): chr11:108,312,487, A>C. VCF-style: chr11-108312487-A-C. GRCh37 (hg19) VCF-style: chr11-108183214-A-C.
Other names: c.5995A>C, p.Ile1999Leu (NM_001351834.2); c.641-3416T>G (NM_001330368.2); c.*39-3416T>G (NM_001351110.2); short protein forms I1999L.
Identifiers: ClinVar variation 861104 (VCV000861104.10), dbSNP rs1201228506, ClinGen allele CA382548792.